The following is an entry in ClinVar:

NM_000211.5(ITGB2):c.194G>A (p.Arg65Gln)

Gene: ITGB2 (integrin subunit beta 2; minus strand). Cytogenetic location: 21q22.3.
Variant type: single nucleotide variant.
Coding change: c.194G>A on transcript NM_000211.5 (MANE Select); coding-DNA position 194, G replaced by A.
Protein change: p.Arg65Gln; replaces arginine 65 with glutamine.
Molecular consequence: missense variant. On other transcripts: 5 prime UTR variant (1).
Genome position (GRCh38, 1-based): chr21:44,907,049, C>T on the plus strand (G>A on the coding strand, the complement: ITGB2 is on the minus strand). VCF-style: chr21-44907049-C-T. GRCh37 (hg19) VCF-style: chr21-46326964-C-T.
Other names: c.194G>A (NM_000211.3); c.194G>A, p.Arg65Gln (NM_001127491.3); c.-14G>A (NM_001303238.2); short protein forms R65Q.
Identifiers: ClinVar variation 1431791 (VCV001431791.6), dbSNP rs144806686, ClinGen allele CA10063297.

ClinVar aggregate classification (germline): Uncertain significance. Review status: criteria provided, multiple submitters, no conflicts (2 of 4 stars). 2 submissions from 2 submitters: Uncertain significance (2). Last evaluated 2023-02-17.

Conditions:
Inborn genetic diseases. Identifiers: MedGen C0950123, MeSH D030342.
Leukocyte adhesion deficiency 1 (LAD1). Also called: LEUKOCYTE ADHESION DEFICIENCY, TYPE I; LAD 1; Lymphocyte function-associated antigen 1 immunodeficiency; LFA 1 immunodeficiency. Identifiers: Orphanet 2968, Orphanet 99842, MedGen C0398738, MONDO:0007293, OMIM 116920.

Allele frequency attached by ClinVar (database versions not stated): gnomAD exomes 0.00001 and 0.00003; ExAC 0.00004; gnomAD 0.00005; ESP Exome Variant Server 0.00008.
gnomAD v4.1: 24 of 1,612,104 alleles (0.0015%); highest among the groups gnomAD compares: African/African-American, 0.019%; no homozygotes.

Submissions (2):

Ambry Genetics
Classification: Uncertain significance for Inborn genetic diseases. Last evaluated: 2023-02-17. Review status: criteria provided, single submitter. Criteria: Ambry Variant Classification Scheme 2023. Collection method: clinical testing. Allele origin: germline.

Labcorp Genetics (formerly Invitae), Labcorp
Classification: Uncertain significance for Leukocyte adhesion deficiency 1. Last evaluated: 2022-08-04. Review status: criteria provided, single submitter. Criteria: Invitae Variant Classification Sherloc (09022015). Collection method: clinical testing. Allele origin: germline.
Comment: This sequence change replaces arginine, which is basic and polar, with glutamine, which is neutral and polar, at codon 65 of the ITGB2 protein (p.Arg65Gln). This variant is present in population databases (rs144806686, gnomAD 0.01%). This variant has not been reported in the literature in individuals affected with ITGB2-related conditions. ClinVar contains an entry for this variant (Variation ID: 1431791). Algorithms developed to predict the effect of missense changes on protein structure and function (SIFT, PolyPhen-2, Align-GVGD) all suggest that this variant is likely to be tolerated. In summary, the available evidence is currently insufficient to determine the role of this variant in disease. Therefore, it has been classified as a Variant of Uncertain Significance.